The following is an entry in ClinVar:

ClinVar aggregate classification (germline): Uncertain significance (1 of 4 stars; one submission).

Allele frequency attached by ClinVar (database versions not stated): gnomAD 0.00001; gnomAD exomes 0.00001; TOPMed 0.00001; ExAC 0.00003; ESP Exome Variant Server 0.00008.
gnomAD v4.1: 22 of 1,609,370 alleles (0.0014%); highest among the groups gnomAD compares: Middle Eastern, 0.033%; no homozygotes.

Submission:

Labcorp Genetics (formerly Invitae), Labcorp
Classification: Uncertain significance. Last evaluated: 2023-08-07. Review status: criteria provided, single submitter. Criteria: Invitae Variant Classification Sherloc (09022015). Collection method: clinical testing. Allele origin: germline.
Comment: In summary, the available evidence is currently insufficient to determine the role of this variant in disease. Therefore, it has been classified as a Variant of Uncertain Significance. Algorithms developed to predict the effect of missense changes on protein structure and function output the following: SIFT: "Not Available"; PolyPhen-2: "Benign"; Align-GVGD: "Not Available". The glutamic acid amino acid residue is found in multiple mammalian species, which suggests that this missense change does not adversely affect protein function. ClinVar contains an entry for this variant (Variation ID: 2421364). This variant has not been reported in the literature in individuals affected with SLCO5A1-related conditions. This variant is present in population databases (rs375156398, gnomAD 0.004%). This sequence change replaces glycine, which is neutral and non-polar, with glutamic acid, which is acidic and polar, at codon 55 of the SLCO5A1 protein (p.Gly55Glu).

NM_030958.3(SLCO5A1):c.164G>A (p.Gly55Glu)

Gene: SLCO5A1 (solute carrier organic anion transporter family member 5A1; minus strand). Cytogenetic location: 8q13.3.
Variant type: single nucleotide variant.
Coding change: c.164G>A on transcript NM_030958.3 (MANE Select); coding-DNA position 164, G replaced by A.
Protein change: p.Gly55Glu; replaces glycine 55 with glutamic acid.
Molecular consequence: missense variant.
Genome position (GRCh38, 1-based): chr8:69,832,510, C>T on the plus strand (G>A on the coding strand, the complement: SLCO5A1 is on the minus strand). VCF-style: chr8-69832510-C-T. GRCh37 (hg19) VCF-style: chr8-70744745-C-T.
Other names: c.164G>A, p.Gly55Glu (NM_001146008.2, NM_001146009.1); short protein forms G55E.
Identifiers: ClinVar variation 2421364 (VCV002421364.6), dbSNP rs375156398, ClinGen allele CA4776875.